The following is an entry in ClinVar:

ClinVar aggregate classification (germline): Uncertain significance. Review status: criteria provided, multiple submitters, no conflicts (2 of 4 stars). 2 submissions from 2 submitters: Uncertain significance (2). Last evaluated 2024-06-25.

Conditions:
Hereditary cancer-predisposing syndrome. Also called: Neoplastic Syndromes, Hereditary; Tumor predisposition; Hereditary Cancer Syndrome; Hereditary neoplastic syndrome. Identifiers: Orphanet 140162, MedGen C0027672, MeSH D009386, MONDO:0015356.
Tuberous sclerosis 2 (TSC2). Identifiers: Orphanet 805, MedGen C1860707, MONDO:0013199, OMIM 613254.

Allele frequency attached by ClinVar (database versions not stated): gnomAD exomes below 0.00001.
gnomAD v4.1: 2 of 1,612,974 alleles (0.00012%); highest among the groups gnomAD compares: Non-Finnish European, 0.000085%; no homozygotes.

Submissions (2):

Labcorp Genetics (formerly Invitae), Labcorp
Classification: Uncertain significance for Tuberous sclerosis 2. Last evaluated: 2024-06-25. Review status: criteria provided, single submitter. Criteria: Invitae Variant Classification Sherloc (09022015). Collection method: clinical testing. Allele origin: germline.
Comment: This sequence change replaces lysine, which is basic and polar, with glutamic acid, which is acidic and polar, at codon 1168 of the TSC2 protein (p.Lys1168Glu). This variant is not present in population databases (gnomAD no frequency). This variant has not been reported in the literature in individuals affected with TSC2-related conditions. ClinVar contains an entry for this variant (Variation ID: 1732080). Advanced modeling of protein sequence and biophysical properties (such as structural, functional, and spatial information, amino acid conservation, physicochemical variation, residue mobility, and thermodynamic stability) performed at Invitae indicates that this missense variant is not expected to disrupt TSC2 protein function with a negative predictive value of 95%. In summary, the available evidence is currently insufficient to determine the role of this variant in disease. Therefore, it has been classified as a Variant of Uncertain Significance.

Ambry Genetics
Classification: Uncertain significance for Hereditary cancer-predisposing syndrome. Last evaluated: 2022-04-03. Review status: criteria provided, single submitter. Criteria: Ambry Variant Classification Scheme 2023. Collection method: clinical testing. Allele origin: germline.
Comment: The p.K1168E variant (also known as c.3502A>G), located in coding exon 29 of the TSC2 gene, results from an A to G substitution at nucleotide position 3502. The lysine at codon 1168 is replaced by glutamic acid, an amino acid with similar properties. This amino acid position is conserved. In addition, the in silico prediction for this alteration is inconclusive. Since supporting evidence is limited at this time, the clinical significance of this alteration remains unclear.

NM_000548.5(TSC2):c.3502A>G (p.Lys1168Glu)

Gene: TSC2 (TSC complex subunit 2; plus strand). Cytogenetic location: 16p13.3.
Variant type: single nucleotide variant.
Coding change: c.3502A>G on transcript NM_000548.5 (MANE Select); coding-DNA position 3502, A replaced by G.
Protein change: p.Lys1168Glu; replaces lysine 1168 with glutamic acid.
Molecular consequence: missense variant.
Genome position (GRCh38, 1-based): chr16:2,080,269, A>G. VCF-style: chr16-2080269-A-G. GRCh37 (hg19) VCF-style: chr16-2130270-A-G.
Other names: c.2026A>G, p.Lys676Glu (NM_001406696.1, NM_001406697.1, NM_001406691.1 and 1 more transcripts); c.1768A>G, p.Lys590Glu (NM_001406698.1); c.3373A>G, p.Lys1125Glu (NM_021055.3, NM_001370405.1, NM_001363528.2); c.3370A>G, p.Lys1124Glu (NM_001370404.1, NM_001406665.1, NM_001077183.3); c.3499A>G, p.Lys1167Glu (NM_001406663.1, NM_001406664.1); c.3463A>G, p.Lys1155Glu (NM_001406667.1); c.3460A>G, p.Lys1154Glu (NM_001406668.1); c.3391A>G, p.Lys1131Glu (NM_001406670.1); and 18 more; short protein forms K1088E, K1120E, K1125E, K1167E, K1168E, K971E, K1087E, K1105E.
Identifiers: ClinVar variation 1732080 (VCV001732080.4), dbSNP rs2544098276, ClinGen allele CA394289210.
Genomic context (GRCh38, chr16:2,080,269, plus strand): 5'-CAGTTCCTGGGCAGTGCCACTTCTCCAGGACCACGGACTGCACCAGCCGCGAAACCTGAG[A>G]AGGCCTCAGCTGGCACCCGGGTTCCTGTGCAGGAGAAGACGAACCTGGCGGCCTATGTGC-3'
Protein context (NP_000539.2, residues 1158-1178): PRTAPAAKPE[Lys1168Glu]ASAGTRVPVQ